The following is an entry in ClinVar:

ClinVar aggregate classification (germline): Uncertain significance (1 of 4 stars; one submission).

Allele frequency attached by ClinVar (database versions not stated): TOPMed below 0.00001; gnomAD exomes 0.00001.
gnomAD v4.1: 7 of 1,614,138 alleles (0.00043%); highest among the groups gnomAD compares: South Asian, 0.0011%; no homozygotes.

Submission:

GeneDx
Classification: Uncertain significance. Last evaluated: 2022-02-10. Review status: criteria provided, single submitter. Criteria: GeneDx Variant Classification Process June 2021. Collection method: clinical testing. Allele origin: germline. Affected: yes.
Comment: Missense variants in this gene are often considered pathogenic (HGMD); In silico analysis supports that this missense variant does not alter protein structure/function; Has not been previously published as pathogenic or benign to our knowledge

NM_001101.5(ACTB):c.634A>G (p.Ile212Val)

Gene: ACTB (actin beta; minus strand). Cytogenetic location: 7p22.1.
Variant type: single nucleotide variant.
Coding change: c.634A>G on transcript NM_001101.5 (MANE Select); coding-DNA position 634, A replaced by G.
Protein change: p.Ile212Val; replaces isoleucine 212 with valine.
Molecular consequence: missense variant.
Genome position (GRCh38, 1-based): chr7:5,528,449, T>C on the plus strand (A>G on the coding strand, the complement: ACTB is on the minus strand). VCF-style: chr7-5528449-T-C. GRCh37 (hg19) VCF-style: chr7-5568080-T-C.
Other names: short protein forms I212V.
Identifiers: ClinVar variation 1700883 (VCV001700883.2), dbSNP rs1382720283, ClinGen allele CA366702343.